The following is an entry in ClinVar:

ClinVar aggregate classification (germline): Uncertain significance (1 of 4 stars; one submission).

Allele frequency attached by ClinVar (database versions not stated): gnomAD exomes 0.00001; gnomAD 0.00002; TOPMed 0.00002.
gnomAD v4.1: 15 of 1,603,300 alleles (0.00094%); highest among the groups gnomAD compares: Non-Finnish European, 0.0012%; no homozygotes.

Submission:

Mayo Clinic Laboratories, Mayo Clinic
Classification: Uncertain significance. Last evaluated: 2023-01-23. Review status: criteria provided, single submitter. Criteria: ACMG Guidelines, 2015. Collection method: clinical testing. Allele origin: germline. Observed: 1 variant allele.
Comment: BP4

NM_001079.4(ZAP70):c.197A>G (p.Asn66Ser)

Gene: ZAP70 (zeta chain of T cell receptor associated protein kinase 70; plus strand). Cytogenetic location: 2q11.2.
Variant type: single nucleotide variant.
Coding change: c.197A>G on transcript NM_001079.4 (MANE Select); coding-DNA position 197, A replaced by G.
Protein change: p.Asn66Ser; replaces asparagine 66 with serine.
Molecular consequence: missense variant.
Genome position (GRCh38, 1-based): chr2:97,724,233, A>G. VCF-style: chr2-97724233-A-G. GRCh37 (hg19) VCF-style: chr2-98340696-A-G.
Other names: p.Asn66Ser; c.197A>G, p.Asn66Ser (NM_001378594.1); short protein forms N66S.
Identifiers: ClinVar variation 2682740 (VCV002682740.1), dbSNP rs200701137, ClinGen allele CA52553243.